The following is an entry in ClinVar:

ClinVar aggregate classification (germline): Benign/Likely benign. Review status: criteria provided, multiple submitters, no conflicts (2 of 4 stars). 22 submissions from 16 submitters: Benign (14); Likely benign (6). 2 of the submissions do not count toward it. Last evaluated 2026-02-03.

Conditions:
Frasier syndrome. Identifiers: Orphanet 347, MedGen C0950122, MeSH D052159, MONDO:0007635, OMIM 136680.
Drash syndrome (DDS). Also called: NEPHROPATHY, WILMS TUMOR, AND GENITAL ANOMALIES; WILMS TUMOR AND PSEUDO- OR TRUE HERMAPHRODITISM. Identifiers: Orphanet 220, MedGen C0950121, MONDO:0008682, OMIM 194080.
Wilms tumor 1 (WT1). Also called: Wilms tumor, somatic. Identifiers: Orphanet 654, MedGen CN033288, MONDO:0008679, OMIM 194070.
11p partial monosomy syndrome (WAGR). Also called: WAGR syndrome; WAGR Complex; WAGR Spectrum Disorder; CHROMOSOME 11p13 DELETION SYNDROME. Identifiers: Orphanet 893, MedGen C0206115, MONDO:0008681, OMIM 194072.
Inborn genetic diseases. Identifiers: MedGen C0950123, MeSH D030342.
Nephrotic syndrome, type 4 (NPHS4). Also called: Familial mesangial sclerosis; Nephrotic syndrome, early onset with diffuse mesangial sclerosis. Identifiers: Orphanet 656, MedGen C3151568, MONDO:0009733, OMIM 256370.
Meacham syndrome. Also called: Meacham Winn Culler syndrome. Identifiers: Orphanet 3097, MedGen C1837026, MONDO:0012164, OMIM 608978.
Focal segmental glomerulosclerosis (FSGS). Also called: Glomerulosclerosis, focal; Focal sclerosis with hyalinosis. Identifiers: MedGen C0017668, MONDO:0100313, HP:0000097. Disease mechanism: loss of function.

Allele frequency attached by ClinVar (database versions not stated): ESP Exome Variant Server 0.00019; 1000 Genomes Project 0.00260; gnomAD 0.00269 and 0.00270; 1000 Genomes Project 30x 0.00297; TOPMed 0.00454.
gnomAD v4.1: 2,066 of 1,521,766 alleles (0.14%); highest among the groups gnomAD compares: Admixed American, 3.6%; 44 homozygotes.

Submissions (22):

Labcorp Genetics (formerly Invitae), Labcorp
Classification: Benign for Wilms tumor 1; Drash syndrome; 11p partial monosomy syndrome; Frasier syndrome. Last evaluated: 2026-02-03. Review status: criteria provided, single submitter. Criteria: Invitae Variant Classification Sherloc (09022015). Collection method: clinical testing. Allele origin: germline.

Mayo Clinic Laboratories, Mayo Clinic
Classification: Benign. Last evaluated: 2025-07-10. Review status: criteria provided, single submitter. Criteria: ACMG Guidelines, 2015. Collection method: clinical testing. Allele origin: germline. Observed: 5 variant alleles.
Comment: BS1, BS2, BP4, BP7

ARUP Laboratories, Molecular Genetics and Genomics, ARUP Laboratories
Classification: Benign. Last evaluated: 2025-06-27. Review status: criteria provided, single submitter. Criteria: ARUP Molecular Germline Variant Investigation Process 2024. Collection method: clinical testing. Allele origin: germline.

Blueprint Genetics
Classification: Likely benign. Last evaluated: 2024-11-25. Review status: criteria provided, single submitter. Criteria: ACMG Guidelines, 2015. Collection method: clinical testing. Allele origin: germline.

Ambry Genetics
Classification: Likely benign for Inborn genetic diseases. Last evaluated: 2024-08-21. Review status: criteria provided, single submitter. Criteria: Ambry Variant Classification Scheme 2023. Collection method: clinical testing. Allele origin: germline.

Color Diagnostics, LLC DBA Color Health
Classification: Benign for Wilms tumor 1. Last evaluated: 2022-09-16. Review status: criteria provided, single submitter. Criteria: ACMG Guidelines, 2015. Collection method: clinical testing. Allele origin: germline.

Genome-Nilou Lab
Classification: Benign for Drash syndrome. Last evaluated: 2021-12-05. Review status: criteria provided, single submitter. Criteria: ACMG Guidelines, 2015. Collection method: clinical testing. Allele origin: germline. Affected: no.

Genome-Nilou Lab
Classification: Benign for Frasier syndrome. Last evaluated: 2021-12-05. Review status: criteria provided, single submitter. Criteria: ACMG Guidelines, 2015. Collection method: clinical testing. Allele origin: germline. Affected: no.

Genome-Nilou Lab
Classification: Benign for Meacham syndrome. Last evaluated: 2021-12-05. Review status: criteria provided, single submitter. Criteria: ACMG Guidelines, 2015. Collection method: clinical testing. Allele origin: germline. Affected: no.

Genome-Nilou Lab
Classification: Benign for Nephrotic syndrome, type 4. Last evaluated: 2021-12-05. Review status: criteria provided, single submitter. Criteria: ACMG Guidelines, 2015. Collection method: clinical testing. Allele origin: germline. Affected: no.

Genome-Nilou Lab
Classification: Benign for Wilms tumor 1. Last evaluated: 2021-12-05. Review status: criteria provided, single submitter. Criteria: ACMG Guidelines, 2015. Collection method: clinical testing. Allele origin: germline. Affected: no.

Genetic Services Laboratory, University of Chicago
Classification: Benign. Last evaluated: 2020-08-19. Review status: criteria provided, single submitter. Criteria: ACMG Guidelines, 2015. Collection method: clinical testing. Allele origin: germline. Affected: no.

Women's Health and Genetics/Laboratory Corporation of America, LabCorp
Classification: Benign. Last evaluated: 2020-05-30. Review status: criteria provided, single submitter. Criteria: LabCorp Variant Classification Summary - May 2015. Collection method: clinical testing. Allele origin: germline.

Genome Diagnostics Laboratory, The Hospital for Sick Children
Classification: Benign for Focal segmental glomerulosclerosis. Last evaluated: 2020-05-01. Review status: criteria provided, single submitter. Criteria: ACMG Guidelines, 2015. Collection method: clinical testing. Allele origin: germline.

GeneDx
Classification: Benign. Last evaluated: 2018-09-28. Review status: criteria provided, single submitter. Criteria: GeneDx Variant Classification Process June 2021. Collection method: clinical testing. Allele origin: germline. Affected: yes.

Illumina Laboratory Services, Illumina
Classification: Likely benign for Meacham syndrome. Last evaluated: 2018-04-24. Review status: criteria provided, single submitter. Criteria: ICSL Variant Classification Criteria 13 December 2019. Collection method: clinical testing. Allele origin: germline.
Comment: This variant was observed as part of a predisposition screen in an ostensibly healthy population. A literature search was performed for the gene, cDNA change, and amino acid change (where applicable). No publications were found based on this search. Allele frequency data from public databases allowed determination this variant is unlikely to cause disease. Therefore, this variant is classified as likely benign.

Illumina Laboratory Services, Illumina
Classification: Likely benign for Wilms tumor 1. Last evaluated: 2018-04-24. Review status: criteria provided, single submitter. Criteria: ICSL Variant Classification Criteria 13 December 2019. Collection method: clinical testing. Allele origin: germline.
Comment: the same text as in the submission from Illumina Laboratory Services, Illumina above.

Illumina Laboratory Services, Illumina
Classification: Likely benign for Nephrotic syndrome, type 4. Last evaluated: 2018-04-24. Review status: criteria provided, single submitter. Criteria: ICSL Variant Classification Criteria 13 December 2019. Collection method: clinical testing. Allele origin: germline.
Comment: the same text as in the submission from Illumina Laboratory Services, Illumina above.

Breakthrough Genomics
Classification: Likely benign. Review status: criteria provided, single submitter. Criteria: ACMG Guidelines, 2015. Collection method: not provided. Allele origin: germline. Inheritance: Autosomal dominant inheritance. Affected: yes.

PreventionGenetics, part of Exact Sciences
Classification: Benign. Review status: criteria provided, single submitter. Criteria: ACMG Guidelines, 2015. Collection method: clinical testing. Allele origin: germline.

Clinical Genetics Laboratory, Department of Pathology, Netherlands Cancer Institute
Classification: Benign. Review status: no assertion criteria provided. Collection method: clinical testing. Allele origin: germline. Affected: yes. Study: VKGL Data-share Consensus. Not counted in ClinVar's aggregate classification.

Genome Diagnostics Laboratory, University Medical Center Utrecht
Classification: Likely benign. Review status: no assertion criteria provided. Collection method: clinical testing. Allele origin: germline. Affected: yes. Study: VKGL Data-share Consensus. Not counted in ClinVar's aggregate classification.

Literature cited by the submitters: PubMed 19221039 (cited by Women's Health and Genetics/Laboratory Corporation of America, LabCorp); PubMed 20435628 (cited by Women's Health and Genetics/Laboratory Corporation of America, LabCorp); PubMed 20413658 (cited by Women's Health and Genetics/Laboratory Corporation of America, LabCorp); PubMed 19171881 (cited by Women's Health and Genetics/Laboratory Corporation of America, LabCorp); PubMed 20368469 (cited by Women's Health and Genetics/Laboratory Corporation of America, LabCorp); PubMed 25110071 (cited by Women's Health and Genetics/Laboratory Corporation of America, LabCorp); PubMed 25932436 (cited by Women's Health and Genetics/Laboratory Corporation of America, LabCorp); PubMed 18559874 (cited by Women's Health and Genetics/Laboratory Corporation of America, LabCorp); PubMed 19536888 (cited by Women's Health and Genetics/Laboratory Corporation of America, LabCorp); PubMed 26725263 (cited by Women's Health and Genetics/Laboratory Corporation of America, LabCorp); PubMed 19494353 (cited by Women's Health and Genetics/Laboratory Corporation of America, LabCorp); PubMed 18591546 (cited by Women's Health and Genetics/Laboratory Corporation of America, LabCorp).

NM_024426.6(WT1):c.181C>A (p.Arg61=)

Genes: WT1 (WT1 transcription factor; minus strand), LOC107982234 (WT1/WT1-AS bi-directional promoter region; plus strand). Cytogenetic location: 11p13.
Variant type: single nucleotide variant.
Coding change: c.181C>A on transcript NM_024426.6 (MANE Select); coding-DNA position 181, C replaced by A.
Protein change: p.Arg61=; no amino-acid change (arginine 61 retained).
Molecular consequence: synonymous variant. On other transcripts: non-coding transcript variant (1).
Genome position (GRCh38, 1-based): chr11:32,435,180, G>T on the plus strand (C>A on the coding strand, the complement: WT1 is on the minus strand). VCF-style: chr11-32435180-G-T. GRCh37 (hg19) VCF-style: chr11-32456726-G-T.
Other names: p.Arg61=; c.181C>A, p.Arg61= (NM_000378.6, NM_024424.5).
Identifiers: ClinVar variation 241476 (VCV000241476.40), dbSNP rs2234581, ClinGen allele CA064696.
Genomic context (GRCh38, chr11:32,435,180, plus strand): 5'-GGTCCCGCACGTCGGAGCCCATTTGCTGCGGCTCAGACCCGGACGCCCCGCGGCTCCTCC[G>T]GCCCTGGAGACGTTCAGCGCTGGCCTCGGCGGCGCCTAACTTGGCCCAGATGCCGCCCGG-3'
Protein context (NP_077744.4, residues 51-71): AEASAERLQG[Arg61=]RSRGASGSEP